The following is an entry in ClinVar:

NM_153212.3(GJB4):c.292C>T (p.Arg98Cys)

Gene: GJB4 (gap junction protein beta 4; plus strand). Cytogenetic location: 1p34.3.
Variant type: single nucleotide variant.
Coding change: c.292C>T on transcript NM_153212.3 (MANE Select); coding-DNA position 292, C replaced by T.
Protein change: p.Arg98Cys; replaces arginine 98 with cysteine.
Molecular consequence: missense variant.
Genome position (GRCh38, 1-based): chr1:34,761,546, C>T. VCF-style: chr1-34761546-C-T. GRCh37 (hg19) VCF-style: chr1-35227147-C-T.
Other names: short protein forms R98C.
Identifiers: ClinVar variation 1303140 (VCV001303140.9), dbSNP rs200602523, ClinGen allele CA754536.

ClinVar aggregate classification (germline): Uncertain significance. Review status: criteria provided, multiple submitters, no conflicts (2 of 4 stars). 3 submissions from 3 submitters: Uncertain significance (3). Last evaluated 2024-11-01.

Allele frequency attached by ClinVar (database versions not stated): gnomAD 0.00019 and 0.00024; ESP Exome Variant Server 0.00023; TOPMed 0.00027; gnomAD exomes 0.00031; ExAC 0.00035; 1000 Genomes Project 0.00060; 1000 Genomes Project 30x 0.00062.
gnomAD v4.1: 298 of 1,614,152 alleles (0.018%); highest among the groups gnomAD compares: East Asian, 0.25%; no homozygotes.

Submissions (3):

GeneDx
Classification: Uncertain significance. Last evaluated: 2024-11-01. Review status: criteria provided, single submitter. Criteria: GeneDx Variant Classification Process June 2021. Collection method: clinical testing. Allele origin: germline. Affected: yes.
Comment: Observed in unrelated individuals with hearing loss, but additional clinical information was not included (PMID: 17259707, 21950330); In silico analysis supports that this missense variant has a deleterious effect on protein structure/function; This variant is associated with the following publications: (PMID: 25333454, 20593197, 16297190, 17259707, 21950330)

Mendelics
Classification: Uncertain significance. Last evaluated: 2022-05-04. Review status: criteria provided, single submitter. Criteria: Mendelics Assertion Criteria 2019. Collection method: clinical testing. Allele origin: germline.

Labcorp Genetics (formerly Invitae), Labcorp
Classification: Uncertain significance. Last evaluated: 2021-08-13. Review status: criteria provided, single submitter. Criteria: Invitae Variant Classification Sherloc (09022015). Collection method: clinical testing. Allele origin: germline.
Comment: This sequence change replaces arginine with cysteine at codon 98 of the GJB4 protein (p.Arg98Cys). The arginine residue is highly conserved and there is a large physicochemical difference between arginine and cysteine. This variant is present in population databases (rs200602523, ExAC 0.3%). This missense change has been observed in individual(s) with erythrokeratodermia variabilis or deafness (PMID: 16297190, 17259707, 20593197, 21950330). Algorithms developed to predict the effect of missense changes on protein structure and function (SIFT, PolyPhen-2, Align-GVGD) all suggest that this variant is likely to be disruptive. In summary, the available evidence is currently insufficient to determine the role of this variant in disease. Therefore, it has been classified as a Variant of Uncertain Significance.

Literature cited by the submitters: PubMed 16297190 (cited by Labcorp Genetics (formerly Invitae), Labcorp); PubMed 17259707 (cited by Labcorp Genetics (formerly Invitae), Labcorp); PubMed 20593197 (cited by Labcorp Genetics (formerly Invitae), Labcorp); PubMed 21950330 (cited by Labcorp Genetics (formerly Invitae), Labcorp).